The following is an entry in ClinVar:

ClinVar aggregate classification (germline): Pathogenic (1 of 4 stars; one submission).

Conditions:
Ehlers-Danlos syndrome, dermatosparaxis type. Also called: EDS VIIC; Dermatosparaxis; Ehlers-Danlos syndrome, type VII, autosomal recessive. Identifiers: Orphanet 1901, MedGen C2700425, MONDO:0009161, OMIM 225410.

Submission:

Labcorp Genetics (formerly Invitae), Labcorp
Classification: Pathogenic for Ehlers-Danlos syndrome, dermatosparaxis type. Last evaluated: 2023-01-09. Review status: criteria provided, single submitter. Criteria: Invitae Variant Classification Sherloc (09022015). Collection method: clinical testing. Allele origin: germline.
Comment: This sequence change creates a premature translational stop signal (p.Asp44Alafs*33) in the ADAMTS2 gene. It is expected to result in an absent or disrupted protein product. Loss-of-function variants in ADAMTS2 are known to be pathogenic (PMID: 10417273). This variant is not present in population databases (gnomAD no frequency). This variant has not been reported in the literature in individuals affected with ADAMTS2-related conditions. For these reasons, this variant has been classified as Pathogenic.

Literature cited by the submitters: PubMed 10417273.

NM_014244.5(ADAMTS2):c.97_130dup (p.Asp44fs)

Gene: ADAMTS2 (ADAM metallopeptidase with thrombospondin type 1 motif 2; minus strand). Cytogenetic location: 5q35.3.
Variant type: Duplication.
Coding change: c.97_130dup on transcript NM_014244.5 (MANE Select); coding-DNA positions 97 to 130, 34 bases duplicated.
Protein change: p.Asp44fs; shifts the reading frame from aspartic acid 44.
Molecular consequence: frameshift variant.
Genome position (GRCh38, 1-based): chr5:179,345,199-179,345,232, 34 bases duplicated; duplicating any 34 consecutive bases within chr5:179,345,199-179,345,245 gives the same sequence; the c. name uses the placement nearest the transcript's 3' end. GRCh37 (hg19): chr5:178,772,213-178,772,246.
Other names: c.97_130dup, p.Asp44fs (NM_021599.4); short protein forms D44fs.
Identifiers: ClinVar variation 2826263 (VCV002826263.3), dbSNP rs2532193039, ClinGen allele CA2739272820.